The following is an entry in ClinVar:

ClinVar aggregate classification (germline): Uncertain significance (1 of 4 stars; one submission).

Conditions:
Joubert syndrome. Also called: CEREBELLOPARENCHYMAL DISORDER IV; JOUBERT-BOLTSHAUSER SYNDROME; Familial aplasia of the vermis. Identifiers: Orphanet 475, MedGen C5979921, MONDO:0018772.

gnomAD v4.1: 1 of 1,535,274 alleles (0.000065%); highest among the groups gnomAD compares: Admixed American, 0.002%; no homozygotes.

Submission:

Labcorp Genetics (formerly Invitae), Labcorp
Classification: Uncertain significance for Joubert syndrome. Last evaluated: 2023-10-22. Review status: criteria provided, single submitter. Criteria: Invitae Variant Classification Sherloc (09022015). Collection method: clinical testing. Allele origin: germline.
Comment: This sequence change replaces arginine, which is basic and polar, with glycine, which is neutral and non-polar, at codon 14 of the TMEM216 protein (p.Arg14Gly). This variant is present in population databases (no rsID available, gnomAD 0.004%). This variant has not been reported in the literature in individuals affected with TMEM216-related conditions. An algorithm developed to predict the effect of missense changes on protein structure and function (PolyPhen-2) suggests that this variant is likely to be tolerated. In summary, the available evidence is currently insufficient to determine the role of this variant in disease. Therefore, it has been classified as a Variant of Uncertain Significance.

NM_001173990.3(TMEM216):c.40C>G (p.Arg14Gly)

Gene: TMEM216 (transmembrane protein 216; plus strand). Cytogenetic location: 11q12.2.
Variant type: single nucleotide variant.
Coding change: c.40C>G on transcript NM_001173990.3 (MANE Select); coding-DNA position 40, C replaced by G.
Protein change: p.Arg14Gly; replaces arginine 14 with glycine.
Molecular consequence: missense variant. On other transcripts: 5 prime UTR variant (2).
Genome position (GRCh38, 1-based): chr11:61,393,236, C>G. VCF-style: chr11-61393236-C-G. GRCh37 (hg19) VCF-style: chr11-61160708-C-G.
Other names: c.40C>G, p.Arg14Gly (NM_001173991.3); c.-144C>G (NM_001330285.2, NM_016499.6); short protein forms R14G.
Identifiers: ClinVar variation 2955037 (VCV002955037.3), dbSNP rs528271337, ClinGen allele CA380684541.
Genomic context (GRCh38, chr11:61,393,236, plus strand): 5'-AGCAGAGAGGGAGCTGCCTTCCGGCCCATCCCACTTCTCTGTGCTCCTTTTTCAGGTAAA[C>G]GGTTGTCCTCCACCCCGCTGGAAATCCTGTTCTTTCTGAACGGGTGGTATAATGCTACCT-3'
Protein context (NP_001167461.1, residues 4-24): RGLKMAPRGK[Arg14Gly]LSSTPLEILF